The following is an entry in ClinVar:

NM_006648.4(WNK2):c.2539C>G (p.Leu847Val)

Gene: WNK2 (WNK lysine deficient protein kinase 2; plus strand). Cytogenetic location: 9q22.31.
Variant type: single nucleotide variant.
Coding change: c.2539C>G on transcript NM_006648.4 (MANE Select); coding-DNA position 2539, C replaced by G.
Protein change: p.Leu847Val; replaces leucine 847 with valine.
Molecular consequence: missense variant.
Genome position (GRCh38, 1-based): chr9:93,259,087, C>G. VCF-style: chr9-93259087-C-G. GRCh37 (hg19) VCF-style: chr9-96021369-C-G.
Other names: c.2539C>G, p.Leu847Val (NM_001282394.3); short protein forms L847V.
Identifiers: ClinVar variation 4201827 (VCV004201827.1).

ClinVar aggregate classification (germline): Uncertain significance (1 of 4 stars; one submission).

gnomAD v4.1: 2 of 1,613,070 alleles (0.00012%); highest among the groups gnomAD compares: Non-Finnish European, 0.00017%; no homozygotes.

Submission:

Ambry Genetics
Classification: Uncertain significance. Last evaluated: 2025-08-25. Review status: criteria provided, single submitter. Criteria: Ambry Variant Classification Scheme 2023. Collection method: clinical testing. Allele origin: germline.
Comment: The p.L847V variant (also known as c.2539C>G), located in coding exon 11 of the WNK2 gene, results from a C to G substitution at nucleotide position 2539. The leucine at codon 847 is replaced by valine, an amino acid with highly similar properties. This amino acid position is conserved. In addition, this alteration is predicted to be tolerated by in silico analysis. Based on the available evidence, the clinical significance of this variant remains unclear.